The following is an entry in ClinVar:

NM_003070.5(SMARCA2):c.4321G>C (p.Glu1441Gln)

Gene: SMARCA2 (SWI/SNF related BAF chromatin remodeling complex subunit ATPase 2; plus strand). Cytogenetic location: 9p24.3.
Variant type: single nucleotide variant.
Coding change: c.4321G>C on transcript NM_003070.5 (MANE Select); coding-DNA position 4321, G replaced by C.
Protein change: p.Glu1441Gln; replaces glutamic acid 1441 with glutamine.
Molecular consequence: missense variant.
Genome position (GRCh38, 1-based): chr9:2,181,638, G>C. VCF-style: chr9-2181638-G-C. GRCh37 (hg19) VCF-style: chr9-2181638-G-C.
Other names: c.4321G>C, p.Glu1441Gln (NM_001289396.2); c.4093G>C, p.Glu1365Gln (NM_001289397.2); c.295G>C, p.Glu99Gln (NM_001289398.2); c.379G>C, p.Glu127Gln (NM_001289399.2); c.385G>C, p.Glu129Gln (NM_001289400.2); c.4267G>C, p.Glu1423Gln (NM_139045.4); short protein forms E127Q, E129Q, E1365Q, E1423Q, E1441Q, E99Q.
Identifiers: ClinVar variation 3369813 (VCV003369813.1).

ClinVar aggregate classification (germline): Uncertain significance (1 of 4 stars; one submission).

Submission:

GeneDx
Classification: Uncertain significance. Last evaluated: 2024-02-26. Review status: criteria provided, single submitter. Criteria: GeneDx Variant Classification Process June 2021. Collection method: clinical testing. Allele origin: germline. Affected: yes.
Comment: Not observed at significant frequency in large population cohorts (gnomAD); In silico analysis supports that this missense variant does not alter protein structure/function; Has not been previously published as pathogenic or benign to our knowledge